The following is an entry in ClinVar:

ClinVar aggregate classification (germline): Benign (0 of 4 stars; one submission).

Conditions:
A2M-related disorder. Also called: A2M-related condition.

Allele frequency attached by ClinVar (database versions not stated): ExAC 0.14150; 1000 Genomes Project 30x 0.14678; 1000 Genomes Project 0.14736; gnomAD 0.16192; TOPMed 0.16329; ESP Exome Variant Server 0.17128.
gnomAD v4.1: 234,082 of 1,572,536 alleles (15%); highest among the groups gnomAD compares: African/African-American, 21%; 18,262 homozygotes.

Submission:

PreventionGenetics, part of Exact Sciences
Classification: Benign for A2M-related condition. Last evaluated: 2019-10-21. Review status: no assertion criteria provided. Collection method: clinical testing. Allele origin: germline.
Comment: This variant is classified as benign based on ACMG/AMP sequence variant interpretation guidelines (Richards et al. 2015 PMID: 25741868, with internal and published modifications).

NM_000014.6(A2M):c.2597-4T>A

Genes: A2M (alpha-2-macroglobulin; minus strand), KLRG1 (killer cell lectin like receptor G1; plus strand). Cytogenetic location: 12p13.31.
Variant type: single nucleotide variant.
Coding change: c.2597-4T>A on transcript NM_000014.6 (MANE Select); 4 bases into the intron before coding-DNA position 2597, T replaced by A.
Molecular consequence: intron variant.
Genome position (GRCh38, 1-based): chr12:9,090,027, A>T on the plus strand (T>A on the coding strand, the complement: A2M is on the minus strand). VCF-style: chr12-9090027-A-T. GRCh37 (hg19) VCF-style: chr12-9242623-A-T.
Other names: c.2597-4T>A (NM_001347423.2); c.2147-4T>A (NM_001347425.2); c.2297-4T>A (NM_001347424.2).
Identifiers: ClinVar variation 3060838 (VCV003060838.2), dbSNP rs11609582, ClinGen allele CA6438333.